The following is an entry in ClinVar:

ClinVar aggregate classification (germline): Benign. Review status: criteria provided, multiple submitters, no conflicts (2 of 4 stars). 4 submissions from 4 submitters: Benign (4). Last evaluated 2026-02-01.

Conditions:
Retinitis pigmentosa 54 (RP54). Identifiers: Orphanet 791, MedGen C3150691, MONDO:0013263, OMIM 613428.
Retinitis pigmentosa (RP). Identifiers: Orphanet 791, MedGen C0035334, MeSH D012174, MONDO:0019200, OMIM 268000. Inheritance: Autosomal dominant, autosomal recessive and X linked inheritance.

Allele frequency attached by ClinVar (database versions not stated): gnomAD exomes 0.00624; ExAC 0.00636; gnomAD 0.01424; 1000 Genomes Project 0.01458; 1000 Genomes Project 30x 0.01671; TOPMed 0.01737; ESP Exome Variant Server 0.01768.
gnomAD v4.1: 7,544 of 1,614,164 alleles (0.47%); highest among the groups gnomAD compares: African/African-American, 4.8%; 122 homozygotes.

Submissions (4):

Labcorp Genetics (formerly Invitae), Labcorp
Classification: Benign. Last evaluated: 2026-02-01. Review status: criteria provided, single submitter. Criteria: Invitae Variant Classification Sherloc (09022015). Collection method: clinical testing. Allele origin: germline.

ARUP Laboratories, Molecular Genetics and Genomics, ARUP Laboratories
Classification: Benign for Retinitis pigmentosa 54. Last evaluated: 2023-11-08. Review status: criteria provided, single submitter. Criteria: ARUP Molecular Germline Variant Investigation Process 2024. Collection method: clinical testing. Allele origin: germline.

Illumina Laboratory Services, Illumina
Classification: Benign for Retinitis pigmentosa. Last evaluated: 2017-04-27. Review status: criteria provided, single submitter. Criteria: ICSL Variant Classification Criteria 13 December 2019. Collection method: clinical testing. Allele origin: germline.
Comment: This variant was observed as part of a predisposition screen in an ostensibly healthy population. A literature search was performed for the gene, cDNA change, and amino acid change (where applicable). Publications were found based on this search. The evidence from the literature, in combination with allele frequency data from public databases where available, was sufficient to rule this variant out of causing disease. Therefore, this variant is classified as benign.

Breakthrough Genomics
Classification: Benign. Review status: criteria provided, single submitter. Criteria: ACMG Guidelines, 2015. Collection method: not provided. Allele origin: germline. Inheritance: Unknown mechanism. Affected: yes.

Literature cited by the submitters: PubMed 21412943 (cited by Illumina Laboratory Services, Illumina).

NM_001029883.3(PCARE):c.755C>A (p.Ala252Asp)

Gene: PCARE (photoreceptor cilium actin regulator; minus strand). Cytogenetic location: 2p23.2.
Variant type: single nucleotide variant.
Coding change: c.755C>A on transcript NM_001029883.3 (MANE Select); coding-DNA position 755, C replaced by A.
Protein change: p.Ala252Asp; replaces alanine 252 with aspartic acid.
Molecular consequence: missense variant.
Genome position (GRCh38, 1-based): chr2:29,073,507, G>T on the plus strand (C>A on the coding strand, the complement: PCARE is on the minus strand). VCF-style: chr2-29073507-G-T. GRCh37 (hg19) VCF-style: chr2-29296373-G-T.
Other names: short protein forms A252D.
Identifiers: ClinVar variation 781944 (VCV000781944.22), dbSNP rs77003681, ClinGen allele CA1592579.